The following is an entry in ClinVar:

ClinVar aggregate classification (germline): Uncertain significance (1 of 4 stars; one submission).

Submission:

GeneDx
Classification: Uncertain significance. Last evaluated: 2024-08-21. Review status: criteria provided, single submitter. Criteria: GeneDx Variant Classification Process June 2021. Collection method: clinical testing. Allele origin: germline. Affected: yes.
Comment: Not observed at significant frequency in large population cohorts (gnomAD); In silico analysis indicates that this missense variant does not alter protein structure/function; Has not been previously published as pathogenic or benign to our knowledge

NM_018122.5(DARS2):c.1864C>T (p.Pro622Ser)

Gene: DARS2 (aspartyl-tRNA synthetase 2, mitochondrial; plus strand). Cytogenetic location: 1q25.1.
Variant type: single nucleotide variant.
Coding change: c.1864C>T on transcript NM_018122.5 (MANE Select); coding-DNA position 1864, C replaced by T.
Protein change: p.Pro622Ser; replaces proline 622 with serine.
Molecular consequence: missense variant.
Genome position (GRCh38, 1-based): chr1:173,857,631, C>T. VCF-style: chr1-173857631-C-T. GRCh37 (hg19) VCF-style: chr1-173826769-C-T.
Other names: c.1711C>T, p.Pro571Ser (NM_001365212.1); short protein forms P571S, P622S.
Identifiers: ClinVar variation 3764414 (VCV003764414.1).